The following is an entry in ClinVar:

NM_006892.4(DNMT3B):c.1330G>A (p.Val444Met)

Gene: DNMT3B (DNA methyltransferase 3 beta; plus strand). Cytogenetic location: 20q11.21.
Variant type: single nucleotide variant.
Coding change: c.1330G>A on transcript NM_006892.4 (MANE Select); coding-DNA position 1330, G replaced by A.
Protein change: p.Val444Met; replaces valine 444 with methionine.
Molecular consequence: missense variant.
Genome position (GRCh38, 1-based): chr20:32,796,822, G>A. VCF-style: chr20-32796822-G-A. GRCh37 (hg19) VCF-style: chr20-31384628-G-A.
Other names: c.1144G>A, p.Val382Met (NM_001207055.2); c.1042G>A, p.Val348Met (NM_001207056.2); c.1270G>A, p.Val424Met (NM_175848.2, NM_175849.2); c.1306G>A, p.Val436Met (NM_175850.3); short protein forms V444M, V424M, V436M, V348M, V382M.
Identifiers: ClinVar variation 423263 (VCV000423263.14), dbSNP rs201465442, ClinGen allele CA9810527.

ClinVar aggregate classification (germline): Uncertain significance. Review status: criteria provided, multiple submitters, no conflicts (2 of 4 stars). 4 submissions from 4 submitters: Uncertain significance (4). Last evaluated 2024-11-05.

Conditions:
Centromeric instability of chromosomes 1,9 and 16 and immunodeficiency (ICF1). Also called: Immunodeficiency-centromeric instability-facial anomalies; IMMUNE DEFICIENCY, VARIABLE, WITH CENTROMERIC INSTABILITY OF CHROMOSOMES 1, 9, AND 16; IMMUNODEFICIENCY SYNDROME, VARIABLE; CENTROMERIC INSTABILITY, IMMUNODEFICIENCY SYNDROME. Identifiers: Orphanet 2268, MedGen C0398788, MONDO:0000133.
Immunodeficiency-centromeric instability-facial anomalies syndrome 1 (ICF1). Identifiers: Orphanet 2268, MedGen C4551557, MONDO:0009454, OMIM 242860.
Inborn genetic diseases. Identifiers: MedGen C0950123, MeSH D030342.

Allele frequency attached by ClinVar (database versions not stated): gnomAD 0.00005; TOPMed 0.00005; gnomAD exomes 0.00006; ESP Exome Variant Server 0.00008.
gnomAD v4.1: 104 of 1,613,994 alleles (0.0064%); highest among the groups gnomAD compares: Middle Eastern, 0.049%; no homozygotes.

Submissions (4):

GeneDx
Classification: Uncertain significance. Last evaluated: 2024-11-05. Review status: criteria provided, single submitter. Criteria: GeneDx Variant Classification Process June 2021. Collection method: clinical testing. Allele origin: germline. Affected: yes.
Comment: In silico analysis indicates that this missense variant does not alter protein structure/function; Has not been previously published as pathogenic or benign to our knowledge

Labcorp Genetics (formerly Invitae), Labcorp
Classification: Uncertain significance for Centromeric instability of chromosomes 1,9 and 16 and immunodeficiency. Last evaluated: 2022-08-22. Review status: criteria provided, single submitter. Criteria: Invitae Variant Classification Sherloc (09022015). Collection method: clinical testing. Allele origin: germline.
Comment: This sequence change replaces valine, which is neutral and non-polar, with methionine, which is neutral and non-polar, at codon 444 of the DNMT3B protein (p.Val444Met). This variant is present in population databases (rs201465442, gnomAD 0.01%). This variant has not been reported in the literature in individuals affected with DNMT3B-related conditions. ClinVar contains an entry for this variant (Variation ID: 423263). Algorithms developed to predict the effect of missense changes on protein structure and function are either unavailable or do not agree on the potential impact of this missense change (SIFT: "Deleterious"; PolyPhen-2: "Probably Damaging"; Align-GVGD: "Class C0"). In summary, the available evidence is currently insufficient to determine the role of this variant in disease. Therefore, it has been classified as a Variant of Uncertain Significance.

Ambry Genetics
Classification: Uncertain significance for Inborn genetic diseases. Last evaluated: 2021-06-21. Review status: criteria provided, single submitter. Criteria: Ambry Variant Classification Scheme 2023. Collection method: clinical testing. Allele origin: germline.

Illumina Laboratory Services, Illumina
Classification: Uncertain significance for Immunodeficiency-centromeric instability-facial anomalies syndrome 1. Last evaluated: 2018-01-13. Review status: criteria provided, single submitter. Criteria: ICSL Variant Classification Criteria 13 December 2019. Collection method: clinical testing. Allele origin: germline.